The following is an entry in ClinVar:

NM_000492.4(CFTR):c.4261G>A (p.Val1421Met)

Genes: CFTR (CF transmembrane conductance regulator; plus strand), LOC111674477 (CFTR intron 23 enhancer; plus strand). Cytogenetic location: 7q31.2.
Variant type: single nucleotide variant.
Coding change: c.4261G>A on transcript NM_000492.4 (MANE Select); coding-DNA position 4261, G replaced by A.
Protein change: p.Val1421Met; replaces valine 1421 with methionine.
Molecular consequence: missense variant.
Genome position (GRCh38, 1-based): chr7:117,666,926, G>A. VCF-style: chr7-117666926-G-A. GRCh37 (hg19) VCF-style: chr7-117306980-G-A.
Other names: short protein forms V1421M.
Identifiers: ClinVar variation 4843815 (VCV004843815.1).

ClinVar aggregate classification (germline): Uncertain significance (1 of 4 stars; one submission).

Conditions:
Cystic fibrosis (CF). Also called: MUCOVISCIDOSIS. Identifiers: Orphanet 586, MedGen C0010674, MONDO:0009061, OMIM 219700. Disease mechanism: loss of function.

gnomAD v4.1: 2 of 1,614,042 alleles (0.00012%); highest among the groups gnomAD compares: Middle Eastern, 0.017%; no homozygotes.

Submission:

Ambry Genetics
Classification: Uncertain significance for Cystic fibrosis. Last evaluated: 2026-02-16. Review status: criteria provided, single submitter. Criteria: Ambry Variant Classification Scheme 2023. Collection method: clinical testing. Allele origin: germline.
Comment: The p.V1421M variant (also known as c.4261G>A), located in coding exon 27 of the CFTR gene, results from a G to A substitution at nucleotide position 4261. The valine at codon 1421 is replaced by methionine, an amino acid with highly similar properties. This amino acid position is well conserved in available vertebrate species. In addition, the in silico prediction for this alteration is inconclusive. Based on the available evidence, the clinical significance of this variant remains unclear.